The following is an entry in ClinVar:

NM_006096.4(NDRG1):c.1032_1091del (p.340TRSRSHTSEG[1])

Gene: NDRG1 (N-myc downstream regulated 1; minus strand). Cytogenetic location: 8q24.22.
Variant type: Deletion.
Coding change: c.1032_1091del on transcript NM_006096.4 (MANE Select); coding-DNA positions 1032 to 1091, 60 bases deleted.
Protein change: p.340TRSRSHTSEG[1].
Molecular consequence: inframe deletion.
Genome position (GRCh38, 1-based): chr8:133,238,972-133,239,031, 60 bases deleted. GRCh37 (hg19): chr8:134,251,232-134,251,291.
Other names: c.1032_1091del, p.340TRSRSHTSEG[1] (NM_001135242.2, NM_001374845.1, NM_001374846.1); c.834_893del, p.274TRSRSHTSEG[1] (NM_001258432.2, NM_001374847.1); c.789_848del, p.259TRSRSHTSEG[1] (NM_001258433.2); c.1083_1142del, p.357TRSRSHTSEG[1] (NM_001374844.1); c.1032_1091delCCACACCAGCGAGGGCACCCGAAGCCGCTCCCACACCAGCGAGGGCACCCGCAGCCGCTC (NM_006096.3).
Identifiers: ClinVar variation 543330 (VCV000543330.4), dbSNP rs1554747479, ClinGen allele CA658797153.

ClinVar aggregate classification (germline): Uncertain significance (1 of 4 stars; one submission).

Conditions:
Charcot-Marie-Tooth disease type 4. Also called: Charcot-Marie-Tooth disease, type IV; Charcot-Marie-Tooth, Type 4. Identifiers: Orphanet 64749, MedGen C4082197, MONDO:0018995.

Submission:

Labcorp Genetics (formerly Invitae), Labcorp
Classification: Uncertain significance for Charcot-Marie-Tooth disease type 4. Last evaluated: 2021-10-14. Review status: criteria provided, single submitter. Criteria: Invitae Variant Classification Sherloc (09022015). Collection method: clinical testing. Allele origin: germline.
Comment: This variant, c.1032_1091del, results in the deletion of 20 amino acid(s) of the NDRG1 protein (p.Thr350_Gly369del), but otherwise preserves the integrity of the reading frame. This variant is not present in population databases (ExAC no frequency). This variant has not been reported in the literature in individuals affected with NDRG1-related conditions. Experimental studies and prediction algorithms are not available or were not evaluated, and the functional significance of this variant is currently unknown. In summary, the available evidence is currently insufficient to determine the role of this variant in disease. Therefore, it has been classified as a Variant of Uncertain Significance.